The following is an entry in ClinVar:

NM_020338.4(ZMIZ1):c.932A>T (p.Asn311Ile)

Gene: ZMIZ1 (zinc finger MIZ-type containing 1; plus strand). Cytogenetic location: 10q22.3.
Variant type: single nucleotide variant.
Coding change: c.932A>T on transcript NM_020338.4 (MANE Select); coding-DNA position 932, A replaced by T.
Protein change: p.Asn311Ile; replaces asparagine 311 with isoleucine.
Molecular consequence: missense variant.
Genome position (GRCh38, 1-based): chr10:79,292,331, A>T. VCF-style: chr10-79292331-A-T. GRCh37 (hg19) VCF-style: chr10-81052088-A-T.
Other names: short protein forms N311I.
Identifiers: ClinVar variation 5032146 (VCV005032146.1).

ClinVar aggregate classification (germline): Uncertain significance (1 of 4 stars; one submission).

Conditions:
Inborn genetic diseases. Identifiers: MedGen C0950123, MeSH D030342.

Submission:

Ambry Genetics
Classification: Uncertain significance for Inborn genetic diseases. Last evaluated: 2026-06-24. Review status: criteria provided, single submitter. Criteria: Ambry Variant Classification Scheme 2023. Collection method: clinical testing. Allele origin: germline.
Comment: The c.932A>T (p.N311I) alteration is located in exon 11 (coding exon 7) of the ZMIZ1 gene. This alteration results from a A to T substitution at nucleotide position 932, causing the asparagine (N) at amino acid position 311 to be replaced by an isoleucine (I). This variant was not reported in population-based cohorts in the Genome Aggregation Database (gnomAD). This amino acid position is highly conserved in available vertebrate species. This missense variant is located in a region that has a low rate of benign missense variation (Lek, 2016; Firth, 2009). The in silico prediction for this alteration is inconclusive. Based on insufficient or conflicting evidence, the clinical significance of this alteration remains unclear.